The following is an entry in ClinVar:

ClinVar aggregate classification (germline): Uncertain significance. Review status: criteria provided, multiple submitters, no conflicts (2 of 4 stars). 3 submissions from 3 submitters: Uncertain significance (3). Last evaluated 2023-01-09.

Conditions:
Neuropathy, hereditary sensory and autonomic, type 2A (HSAN2A). Also called: ACROOSTEOLYSIS, GIACCAI TYPE; ACROOSTEOLYSIS, NEUROGENIC; MORVAN DISEASE; NEUROPATHY, CONGENITAL SENSORY; NEUROPATHY, HEREDITARY SENSORY RADICULAR, AUTOSOMAL RECESSIVE; NEUROPATHY, HEREDITARY SENSORY, TYPE IIA. Identifiers: Orphanet 970, MedGen C2752089, MONDO:0024309, OMIM 201300.
Pseudohypoaldosteronism type 2C (PHA2C). Also called: Pseudohypoaldosteronism Type IIC. Identifiers: Orphanet 757, Orphanet 88940, MedGen C1840391, MONDO:0013778, OMIM 614492.

Allele frequency attached by ClinVar (database versions not stated): gnomAD exomes below 0.00001; TOPMed below 0.00001.
gnomAD v4.1: 5 of 1,614,096 alleles (0.00031%); highest among the groups gnomAD compares: Non-Finnish European, 0.00042%; no homozygotes.

Submissions (3):

Mayo Clinic Laboratories, Mayo Clinic
Classification: Uncertain significance. Last evaluated: 2023-01-09. Review status: criteria provided, single submitter. Criteria: ACMG Guidelines, 2015. Collection method: clinical testing. Allele origin: germline. Observed: 1 variant allele.
Comment: BP4, PM2_supporting

Labcorp Genetics (formerly Invitae), Labcorp
Classification: Uncertain significance for Neuropathy, hereditary sensory and autonomic, type 2A; Pseudohypoaldosteronism type 2C. Last evaluated: 2020-09-30. Review status: criteria provided, single submitter. Criteria: Invitae Variant Classification Sherloc (09022015). Collection method: clinical testing. Allele origin: germline.
Comment: In summary, the available evidence is currently insufficient to determine the role of this variant in disease. Therefore, it has been classified as a Variant of Uncertain Significance. Algorithms developed to predict the effect of missense changes on protein structure and function are either unavailable or do not agree on the potential impact of this missense change (SIFT: "Tolerated"; PolyPhen-2: "Not Available"; Align-GVGD: "Class C0"). This variant has not been reported in the literature in individuals with WNK1-related conditions. ClinVar contains an entry for this variant (Variation ID: 310747). This variant is not present in population databases (ExAC no frequency). This sequence change replaces glutamine with arginine at codon 1276 of the WNK1 protein (p.Gln1276Arg). The glutamine residue is moderately conserved and there is a small physicochemical difference between glutamine and arginine.

Illumina Laboratory Services, Illumina
Classification: Uncertain significance for Pseudohypoaldosteronism type 2C. Last evaluated: 2018-01-13. Review status: criteria provided, single submitter. Criteria: ICSL Variant Classification Criteria 13 December 2019. Collection method: clinical testing. Allele origin: germline.

NM_018979.4(WNK1):c.2333A>G (p.Gln778Arg)

Gene: WNK1 (WNK lysine deficient protein kinase 1; plus strand). Cytogenetic location: 12p13.33.
Variant type: single nucleotide variant.
Coding change: c.2333A>G on transcript NM_018979.4 (MANE Select); coding-DNA position 2333, A replaced by G.
Protein change: p.Gln778Arg; replaces glutamine 778 with arginine.
Molecular consequence: missense variant.
Genome position (GRCh38, 1-based): chr12:878,321, A>G. VCF-style: chr12-878321-A-G. GRCh37 (hg19) VCF-style: chr12-987487-A-G.
Other names: p.Gln778Arg; c.3572A>G, p.Gln1191Arg (NM_001184985.2); c.2330A>G, p.Gln777Arg (NM_014823.3); c.3827A>G, p.Gln1276Arg (NM_213655.5); short protein forms Q1276R, Q778R, Q777R, Q1191R.
Identifiers: ClinVar variation 310747 (VCV000310747.14), dbSNP rs72649879, ClinGen allele CA10642521.